The following is an entry in ClinVar:

NM_001083961.2(WDR62):c.203T>C (p.Ile68Thr)

Gene: WDR62 (WD repeat domain 62; plus strand). Cytogenetic location: 19q13.12.
Variant type: single nucleotide variant.
Coding change: c.203T>C on transcript NM_001083961.2 (MANE Select); coding-DNA position 203, T replaced by C.
Protein change: p.Ile68Thr; replaces isoleucine 68 with threonine.
Molecular consequence: missense variant.
Genome position (GRCh38, 1-based): chr19:36,058,805, T>C. VCF-style: chr19-36058805-T-C. GRCh37 (hg19) VCF-style: chr19-36549707-T-C.
Other names: c.203T>C, p.Ile68Thr (NM_173636.5); short protein forms I68T.
Identifiers: ClinVar variation 497419 (VCV000497419.20), dbSNP rs148615988, ClinGen allele CA9395170.

ClinVar aggregate classification (germline): Conflicting classifications of pathogenicity. Review status: criteria provided, conflicting classifications (1 of 4 stars). 7 submissions from 7 submitters: Uncertain significance (6); Likely benign (1). Last evaluated 2026-01-25.

Conditions:
Inborn genetic diseases. Identifiers: MedGen C0950123, MeSH D030342.
Microcephaly 2, primary, autosomal recessive, with or without cortical malformations. Also called: MICROCEPHALY 2, PRIMARY, AUTOSOMAL RECESSIVE, WITH CORTICAL MALFORMATIONS; WDR62 Primary Microcephaly. Identifiers: Orphanet 2512, MedGen C1858535, MONDO:0011435, OMIM 604317.

Allele frequency attached by ClinVar (database versions not stated): 1000 Genomes Project 30x 0.00031; ESP Exome Variant Server 0.00031; gnomAD 0.00031; 1000 Genomes Project 0.00040; TOPMed 0.00041; gnomAD exomes 0.00003 and 0.00009; ExAC 0.00011.

Submissions (7):

Labcorp Genetics (formerly Invitae), Labcorp
Classification: Likely benign. Last evaluated: 2026-01-25. Review status: criteria provided, single submitter. Criteria: Invitae Variant Classification Sherloc (09022015). Collection method: clinical testing. Allele origin: germline.

GeneDx
Classification: Uncertain significance. Last evaluated: 2024-10-22. Review status: criteria provided, single submitter. Criteria: GeneDx Variant Classification Process June 2021. Collection method: clinical testing. Allele origin: germline. Affected: yes.
Comment: In silico analysis supports that this missense variant has a deleterious effect on protein structure/function; Has not been previously published as pathogenic or benign to our knowledge

Women's Health and Genetics/Laboratory Corporation of America, LabCorp
Classification: Uncertain significance. Last evaluated: 2023-02-07. Review status: criteria provided, single submitter. Criteria: LabCorp Variant Classification Summary - May 2015. Collection method: clinical testing. Allele origin: germline.
Comment: Variant summary: WDR62 c.203T>C (p.Ile68Thr) results in a non-conservative amino acid change in the encoded protein sequence. Four of five in-silico tools predict a damaging effect of the variant on protein function. The variant allele was found at a frequency of 8.8e-05 in 251336 control chromosomes. To our knowledge, no occurrence of c.203T>C in individuals affected with Primary Autosomal Recessive Microcephaly and no experimental evidence demonstrating its impact on protein function have been reported. Four clinical diagnostic laboratories have submitted clinical-significance assessments for this variant to ClinVar after 2014 and classified the variant as uncertain significance. Based on the evidence outlined above, the variant was classified as uncertain significance.

Blueprint Genetics
Classification: Uncertain significance. Last evaluated: 2022-02-17. Review status: criteria provided, single submitter. Criteria: ACMG Guidelines, 2015. Collection method: clinical testing. Allele origin: germline.

Ambry Genetics
Classification: Uncertain significance for Inborn genetic diseases. Last evaluated: 2020-12-19. Review status: criteria provided, single submitter. Criteria: Ambry Variant Classification Scheme 2023. Collection method: clinical testing. Allele origin: germline.

Fulgent Genetics
Classification: Uncertain significance for Microcephaly 2, primary, autosomal recessive, with or without cortical malformations. Last evaluated: 2018-10-31. Review status: criteria provided, single submitter. Criteria: ACMG Guidelines, 2015. Collection method: clinical testing. Allele origin: unknown.

Eurofins Ntd Llc (ga)
Classification: Uncertain significance. Last evaluated: 2016-10-06. Review status: criteria provided, single submitter. Criteria: EGL Classification Definitions 2015. Collection method: clinical testing. Allele origin: germline. Observed: 2 variant alleles, 2 heterozygotes.